The following is an entry in ClinVar:

NM_006206.6(PDGFRA):c.550G>A (p.Val184Ile)

Gene: PDGFRA (platelet derived growth factor receptor alpha; plus strand). Cytogenetic location: 4q12.
Variant type: single nucleotide variant.
Coding change: c.550G>A on transcript NM_006206.6 (MANE Select); coding-DNA position 550, G replaced by A.
Protein change: p.Val184Ile; replaces valine 184 with isoleucine.
Molecular consequence: missense variant.
Genome position (GRCh38, 1-based): chr4:54,263,849, G>A. VCF-style: chr4-54263849-G-A. GRCh37 (hg19) VCF-style: chr4-55130016-G-A.
Other names: c.550G>A, p.Val184Ile (NM_001347827.2, NM_001347829.2); c.625G>A, p.Val209Ile (NM_001347828.2); c.589G>A, p.Val197Ile (NM_001347830.2); short protein forms V184I, V209I, V197I.
Identifiers: ClinVar variation 583022 (VCV000583022.15), dbSNP rs1560469226, ClinGen allele CA356890068.

ClinVar aggregate classification (germline): Uncertain significance. Review status: criteria provided, multiple submitters, no conflicts (2 of 4 stars). 2 submissions from 2 submitters: Uncertain significance (2). Last evaluated 2025-08-30.

Conditions:
Hereditary cancer-predisposing syndrome. Also called: Hereditary Cancer Syndrome; Tumor predisposition; Neoplastic Syndromes, Hereditary; Hereditary neoplastic syndrome. Identifiers: Orphanet 140162, MedGen C0027672, MeSH D009386, MONDO:0015356.
Gastrointestinal stromal tumor. Also called: Gastrointestinal stromal tumor, somatic; Gastrointestinal stroma tumor. Identifiers: Orphanet 44890, MedGen C0238198, MeSH D046152, MONDO:0011719, OMIM 606764, HP:0100723.

Allele frequency attached by ClinVar (database versions not stated): gnomAD exomes below 0.00001.
gnomAD v4.1: 2 of 1,613,994 alleles (0.00012%); highest among the groups gnomAD compares: Non-Finnish European, 0.00017%; no homozygotes.

Submissions (2):

Ambry Genetics
Classification: Uncertain significance for Hereditary cancer-predisposing syndrome. Last evaluated: 2025-08-30. Review status: criteria provided, single submitter. Criteria: Ambry Variant Classification Scheme 2023. Collection method: clinical testing. Allele origin: germline.
Comment: The p.V184I variant (also known as c.550G>A), located in coding exon 3 of the PDGFRA gene, results from a G to A substitution at nucleotide position 550. The valine at codon 184 is replaced by isoleucine, an amino acid with highly similar properties. This amino acid position is conserved. In addition, this alteration is predicted to be tolerated by in silico analysis. Since supporting evidence is limited at this time, the clinical significance of this alteration remains unclear.

Labcorp Genetics (formerly Invitae), Labcorp
Classification: Uncertain significance for Gastrointestinal stromal tumor. Last evaluated: 2024-04-16. Review status: criteria provided, single submitter. Criteria: Invitae Variant Classification Sherloc (09022015). Collection method: clinical testing. Allele origin: germline.
Comment: This sequence change replaces valine, which is neutral and non-polar, with isoleucine, which is neutral and non-polar, at codon 184 of the PDGFRA protein (p.Val184Ile). This variant is not present in population databases (gnomAD no frequency). This variant has not been reported in the literature in individuals affected with PDGFRA-related conditions. ClinVar contains an entry for this variant (Variation ID: 583022). Advanced modeling of protein sequence and biophysical properties (such as structural, functional, and spatial information, amino acid conservation, physicochemical variation, residue mobility, and thermodynamic stability) performed at Invitae indicates that this missense variant is not expected to disrupt PDGFRA protein function with a negative predictive value of 80%. In summary, the available evidence is currently insufficient to determine the role of this variant in disease. Therefore, it has been classified as a Variant of Uncertain Significance.